The following is an entry in ClinVar:

ClinVar aggregate classification (germline): Uncertain significance (1 of 4 stars; one submission).

Conditions:
Joubert syndrome 15 (JBTS15). Identifiers: Orphanet 475, MedGen C3280897, MONDO:0013763, OMIM 614464.

Allele frequency attached by ClinVar (database versions not stated): gnomAD exomes below 0.00001 and 0.00001; TOPMed below 0.00001; gnomAD 0.00001.
gnomAD v4.1: 17 of 1,580,916 alleles (0.0011%); highest among the groups gnomAD compares: Non-Finnish European, 0.0014%; no homozygotes.

Submission:

Labcorp Genetics (formerly Invitae), Labcorp
Classification: Uncertain significance for Joubert syndrome 15. Last evaluated: 2021-04-13. Review status: criteria provided, single submitter. Criteria: Invitae Variant Classification Sherloc (09022015). Collection method: clinical testing. Allele origin: germline.
Comment: In summary, the available evidence is currently insufficient to determine the role of this variant in disease. Therefore, it has been classified as a Variant of Uncertain Significance. Nucleotide substitutions within the consensus splice site are a relatively common cause of aberrant splicing (PMID: 17576681, 9536098). Studies have shown that this variant is associated with skipping of exon 3 but is expected to preserve the integrity of the reading frame (PMID: 21438139). This variant has not been reported in the literature in individuals with CEP41-related conditions. This variant is not present in population databases (ExAC no frequency). This sequence change falls in intron 3 of the CEP41 gene. It does not directly change the encoded amino acid sequence of the CEP41 protein. RNA analysis indicates that this variant induces altered splicing and likely results in a shortened protein product.

Literature cited by the submitters: PubMed 17576681; PubMed 9536098; PubMed 21438139.

NM_018718.3(CEP41):c.145+5G>A

Gene: CEP41 (centrosomal protein 41; minus strand). Cytogenetic location: 7q32.2.
Variant type: single nucleotide variant.
Coding change: c.145+5G>A on transcript NM_018718.3 (MANE Select); 5 bases into the intron after coding-DNA position 145, G replaced by A.
Molecular consequence: intron variant.
Genome position (GRCh38, 1-based): chr7:130,416,914, C>T on the plus strand (G>A on the coding strand, the complement: CEP41 is on the minus strand). VCF-style: chr7-130416914-C-T. GRCh37 (hg19) VCF-style: chr7-130056755-C-T.
Other names: c.98-4674G>A (NM_001257159.2); c.145+5G>A (NM_001257158.2).
Identifiers: ClinVar variation 1057907 (VCV001057907.9), dbSNP rs1413177096, ClinGen allele CA577756386.